The following is an entry in ClinVar:

ClinVar aggregate classification (germline): Uncertain significance. Review status: criteria provided, multiple submitters, no conflicts (2 of 4 stars). 2 submissions from 2 submitters: Uncertain significance (2). Last evaluated 2024-08-10.

Conditions:
Hereditary cancer-predisposing syndrome. Also called: Neoplastic Syndromes, Hereditary; Tumor predisposition; Hereditary Cancer Syndrome; Hereditary neoplastic syndrome. Identifiers: Orphanet 140162, MedGen C0027672, MeSH D009386, MONDO:0015356.
Neuroblastoma, susceptibility to, 3. Also called: ALK-Related Neuroblastic Tumor Susceptibility. Identifiers: Orphanet 635, MedGen C2751681, MONDO:0013083, OMIM 613014.

Submissions (2):

Ambry Genetics
Classification: Uncertain significance for Hereditary cancer-predisposing syndrome. Last evaluated: 2024-08-10. Review status: criteria provided, single submitter. Criteria: Ambry Variant Classification Scheme 2023. Collection method: clinical testing. Allele origin: germline.
Comment: The p.R1467G variant (also known as c.4399A>G), located in coding exon 29 of the ALK gene, results from an A to G substitution at nucleotide position 4399. The arginine at codon 1467 is replaced by glycine, an amino acid with dissimilar properties. This amino acid position is conserved. In addition, this alteration is predicted to be tolerated by in silico analysis. Since supporting evidence is limited at this time, the clinical significance of this alteration remains unclear.

Labcorp Genetics (formerly Invitae), Labcorp
Classification: Uncertain significance for Neuroblastoma, susceptibility to, 3. Last evaluated: 2022-12-05. Review status: criteria provided, single submitter. Criteria: Invitae Variant Classification Sherloc (09022015). Collection method: clinical testing. Allele origin: germline.
Comment: ClinVar contains an entry for this variant (Variation ID: 1740264). This sequence change replaces arginine, which is basic and polar, with glycine, which is neutral and non-polar, at codon 1467 of the ALK protein (p.Arg1467Gly). This variant is not present in population databases (gnomAD no frequency). This variant has not been reported in the literature in individuals affected with ALK-related conditions. Algorithms developed to predict the effect of missense changes on protein structure and function are either unavailable or do not agree on the potential impact of this missense change (SIFT: "Deleterious"; PolyPhen-2: "Benign"; Align-GVGD: "Class C0"). In summary, the available evidence is currently insufficient to determine the role of this variant in disease. Therefore, it has been classified as a Variant of Uncertain Significance.

NM_004304.5(ALK):c.4399A>G (p.Arg1467Gly)

Gene: ALK (ALK receptor tyrosine kinase; minus strand). Cytogenetic location: 2p23.2.
Variant type: single nucleotide variant.
Coding change: c.4399A>G on transcript NM_004304.5 (MANE Select); coding-DNA position 4399, A replaced by G.
Protein change: p.Arg1467Gly; replaces arginine 1467 with glycine.
Molecular consequence: missense variant.
Genome position (GRCh38, 1-based): chr2:29,193,688, T>C on the plus strand (A>G on the coding strand, the complement: ALK is on the minus strand). VCF-style: chr2-29193688-T-C. GRCh37 (hg19) VCF-style: chr2-29416554-T-C.
Other names: c.1195A>G, p.Arg399Gly (NM_001353765.2); short protein forms R399G, R1467G.
Identifiers: ClinVar variation 1740264 (VCV001740264.8), dbSNP rs2465874363, ClinGen allele CA346462231.